The following is an entry in ClinVar:

NM_052867.4(NALCN):c.3563T>C (p.Leu1188Pro)

Gene: NALCN (sodium leak channel, non-selective; minus strand). Cytogenetic location: 13q32.3.
Variant type: single nucleotide variant.
Coding change: c.3563T>C on transcript NM_052867.4 (MANE Select); coding-DNA position 3563, T replaced by C.
Protein change: p.Leu1188Pro; replaces leucine 1188 with proline.
Molecular consequence: missense variant.
Genome position (GRCh38, 1-based): chr13:101,083,731, A>G on the plus strand (T>C on the coding strand, the complement: NALCN is on the minus strand). VCF-style: chr13-101083731-A-G. GRCh37 (hg19) VCF-style: chr13-101736082-A-G.
Other names: c.3650T>C, p.Leu1217Pro (NM_001350748.2); c.3563T>C, p.Leu1188Pro (NM_001350749.2); c.3476T>C, p.Leu1159Pro (NM_001350750.2, NM_001350751.2); short protein forms L1159P, L1188P, L1217P.
Identifiers: ClinVar variation 2016153 (VCV002016153.6), dbSNP rs2501997186, ClinGen allele CA388651765.

ClinVar aggregate classification (germline): Uncertain significance. Review status: criteria provided, multiple submitters, no conflicts (2 of 4 stars). 2 submissions from 2 submitters: Uncertain significance (2). Last evaluated 2024-02-08.

Submissions (2):

Women's Health and Genetics/Laboratory Corporation of America, LabCorp
Classification: Uncertain significance. Last evaluated: 2024-02-08. Review status: criteria provided, single submitter. Criteria: LabCorp Variant Classification Summary - May 2015. Collection method: clinical testing. Allele origin: germline.
Comment: Variant summary: NALCN c.3563T>C (p.Leu1188Pro) results in a non-conservative amino acid change in the encoded protein sequence. Five of five in-silico tools predict a damaging effect of the variant on protein function. The variant was absent in 250546 control chromosomes. The available data on variant occurrences in the general population are insufficient to allow any conclusion about variant significance. To our knowledge, no occurrence of c.3563T>C in individuals affected with Congenital Contractures Of The Limbs And Face, Hypotonia, And Developmental Delay and no experimental evidence demonstrating its impact on protein function have been reported. ClinVar contains an entry for this variant (Variation ID: 2016153). Based on the evidence outlined above, the variant was classified as uncertain significance.

Labcorp Genetics (formerly Invitae), Labcorp
Classification: Uncertain significance. Last evaluated: 2022-09-03. Review status: criteria provided, single submitter. Criteria: Invitae Variant Classification Sherloc (09022015). Collection method: clinical testing. Allele origin: germline.
Comment: In summary, the available evidence is currently insufficient to determine the role of this variant in disease. Therefore, it has been classified as a Variant of Uncertain Significance. Advanced modeling of protein sequence and biophysical properties (such as structural, functional, and spatial information, amino acid conservation, physicochemical variation, residue mobility, and thermodynamic stability) performed at Invitae indicates that this missense variant is expected to disrupt NALCN protein function. This variant has not been reported in the literature in individuals affected with NALCN-related conditions. This variant is not present in population databases (gnomAD no frequency). This sequence change replaces leucine, which is neutral and non-polar, with proline, which is neutral and non-polar, at codon 1188 of the NALCN protein (p.Leu1188Pro).